The following is an entry in ClinVar:

NM_006892.4(DNMT3B):c.1360C>T (p.Leu454Phe)

Gene: DNMT3B (DNA methyltransferase 3 beta; plus strand). Cytogenetic location: 20q11.21.
Variant type: single nucleotide variant.
Coding change: c.1360C>T on transcript NM_006892.4 (MANE Select); coding-DNA position 1360, C replaced by T.
Protein change: p.Leu454Phe; replaces leucine 454 with phenylalanine.
Molecular consequence: missense variant.
Genome position (GRCh38, 1-based): chr20:32,796,852, C>T. VCF-style: chr20-32796852-C-T. GRCh37 (hg19) VCF-style: chr20-31384658-C-T.
Other names: c.1174C>T, p.Leu392Phe (NM_001207055.2); c.1072C>T, p.Leu358Phe (NM_001207056.2); c.1300C>T, p.Leu434Phe (NM_175848.2, NM_175849.2); c.1336C>T, p.Leu446Phe (NM_175850.3); short protein forms L358F, L392F, L434F, L446F, L454F.
Identifiers: ClinVar variation 1023735 (VCV001023735.6), dbSNP rs546965300, ClinGen allele CA9810537.

ClinVar aggregate classification (germline): Uncertain significance (1 of 4 stars; one submission).

Conditions:
Centromeric instability of chromosomes 1,9 and 16 and immunodeficiency (ICF1). Also called: IMMUNE DEFICIENCY, VARIABLE, WITH CENTROMERIC INSTABILITY OF CHROMOSOMES 1, 9, AND 16; IMMUNODEFICIENCY SYNDROME, VARIABLE; Immunodeficiency-centromeric instability-facial anomalies; CENTROMERIC INSTABILITY, IMMUNODEFICIENCY SYNDROME. Identifiers: Orphanet 2268, MedGen C0398788, MONDO:0000133.

Allele frequency attached by ClinVar (database versions not stated): ExAC 0.00002; gnomAD 0.00004 and 0.00005; TOPMed 0.00005; 1000 Genomes Project 30x 0.00031; 1000 Genomes Project 0.00040.
gnomAD v4.1: 16 of 1,614,192 alleles (0.00099%); highest among the groups gnomAD compares: African/African-American, 0.015%; no homozygotes.

Submission:

Labcorp Genetics (formerly Invitae), Labcorp
Classification: Uncertain significance for Centromeric instability of chromosomes 1,9 and 16 and immunodeficiency. Last evaluated: 2021-08-28. Review status: criteria provided, single submitter. Criteria: Invitae Variant Classification Sherloc (09022015). Collection method: clinical testing. Allele origin: germline.
Comment: This sequence change replaces leucine with phenylalanine at codon 454 of the DNMT3B protein (p.Leu454Phe). The leucine residue is highly conserved and there is a small physicochemical difference between leucine and phenylalanine. This variant is present in population databases (rs546965300, ExAC 0.02%). This variant has not been reported in the literature in individuals affected with DNMT3B-related conditions. Algorithms developed to predict the effect of missense changes on protein structure and function are either unavailable or do not agree on the potential impact of this missense change (SIFT: "Tolerated"; PolyPhen-2: "Probably Damaging"; Align-GVGD: "Class C0"). In summary, the available evidence is currently insufficient to determine the role of this variant in disease. Therefore, it has been classified as a Variant of Uncertain Significance.